The following is an entry in ClinVar:

NM_000077.5(CDKN2A):c.458A>G (p.Asp153Gly)

Gene: CDKN2A (cyclin dependent kinase inhibitor 2A; minus strand). Cytogenetic location: 9p21.3.
Variant type: single nucleotide variant.
Coding change: c.458A>G on transcript NM_000077.5; coding-DNA position 458, A replaced by G.
Protein change: p.Asp153Gly; replaces aspartic acid 153 with glycine.
Molecular consequence: missense variant (on NM_000077.6). On other transcripts: 3 prime UTR variant (3).
Genome position (GRCh38, 1-based): chr9:21,968,242, T>C on the plus strand (A>G on the coding strand, the complement: CDKN2A is on the minus strand). VCF-style: chr9-21968242-T-C. GRCh37 (hg19) VCF-style: chr9-21968241-T-C.
Other names: c.458A>G, p.Asp153Gly (NM_000077.6); c.*151A>G (NM_001195132.2); c.305A>G, p.Asp102Gly (NM_001363763.2); c.*102A>G (NM_058195.4); c.*381A>G (NM_058197.5); short protein forms D153G, D102G.
Identifiers: ClinVar variation 939445 (VCV000939445.9), dbSNP rs1060501272, ClinGen allele CA373085083.

ClinVar aggregate classification (germline): Uncertain significance (1 of 4 stars; one submission).

Conditions:
Familial melanoma. Also called: Hereditary melanoma; Hereditary cutaneous melanoma. Identifiers: Orphanet 618, MedGen C1512419, MONDO:0018961.

Submission:

Labcorp Genetics (formerly Invitae), Labcorp
Classification: Uncertain significance for Familial melanoma. Last evaluated: 2019-09-05. Review status: criteria provided, single submitter. Criteria: Invitae Variant Classification Sherloc (09022015). Collection method: clinical testing. Allele origin: germline.
Comment: This sequence change replaces aspartic acid with glycine at codon 153 of the CDKN2A (p16INK4a) protein (p.Asp153Gly). The aspartic acid residue is weakly conserved and there is a moderate physicochemical difference between aspartic acid and glycine. This variant is not present in population databases (ExAC no frequency). This variant has not been reported in the literature in individuals with CDKN2A (p16INK4a)-related conditions. Algorithms developed to predict the effect of missense changes on protein structure and function output the following: SIFT: "Tolerated"; PolyPhen-2: "Benign"; Align-GVGD: "Class C0". The glycine amino acid residue is found in multiple mammalian species, suggesting that this missense change does not adversely affect protein function. These predictions have not been confirmed by published functional studies and their clinical significance is uncertain. In summary, the available evidence is currently insufficient to determine the role of this variant in disease. Therefore, it has been classified as a Variant of Uncertain Significance.